The following is an entry in ClinVar:

NM_000381.4(MID1):c.370C>G (p.Gln124Glu)

Gene: MID1 (midline 1; minus strand). Cytogenetic location: Xp22.2.
Variant type: single nucleotide variant.
Coding change: c.370C>G on transcript NM_000381.4 (MANE Select); coding-DNA position 370, C replaced by G.
Protein change: p.Gln124Glu; replaces glutamine 124 with glutamic acid.
Molecular consequence: missense variant.
Genome position (GRCh38, 1-based): chrX:10,567,178, G>C on the plus strand (C>G on the coding strand, the complement: MID1 is on the minus strand). VCF-style: chrX-10567178-G-C. GRCh37 (hg19) VCF-style: chrX-10535218-G-C.
Other names: c.370C>G, p.Gln124Glu (NM_001098624.2, NM_001193277.1, NM_001193278.1 and 5 more transcripts); short protein forms Q124E.
Identifiers: ClinVar variation 810501 (VCV000810501.43), dbSNP rs866271060, ClinGen allele CA326628670.

ClinVar aggregate classification (germline): Uncertain significance. Review status: criteria provided, multiple submitters, no conflicts (2 of 4 stars). 2 submissions from 2 submitters: Uncertain significance (2). Last evaluated 2026-06-23.

Conditions:
X-linked Opitz G/BBB syndrome (GBBB). Also called: OPITZ BBBG SYNDROME, TYPE I; OPITZ SYNDROME, X-LINKED; OPITZ-G SYNDROME, TYPE I; MID1-Related Opitz G/BBB Syndrome; Opitz-Frias syndrome. Identifiers: Orphanet 2745, MedGen C2936904, MONDO:0010222, OMIM 300000.

gnomAD v4.1: 1 of 1,211,624 alleles (0.000083%); no homozygotes.

Submissions (2):

Myriad Genetics, Inc.
Classification: Uncertain significance for X-linked Opitz G/BBB syndrome. Last evaluated: 2026-06-23. Review status: criteria provided, single submitter. Criteria: Myriad Autosomal Dominant, Autosomal Recessive and X-Linked Classification Criteria (2023). Collection method: clinical testing. Allele origin: unknown.
Comment: NM_000381.3(MID1):c.370C>G(Q124E) is a missense variant classified as a variant of uncertain significance in the context of Opitz G/BBB syndrome, MID1-related. Q124E has been observed in a case with relevant disease (PMID: 34958143). Relevant functional assessments of this variant are not available in the literature. Q124E has not been observed in referenced population frequency databases. In summary, there is insufficient evidence to classify NM_000381.3(MID1):c.370C>G(Q124E) as pathogenic or benign. Please note: this variant was assessed in the context of healthy population screening.

CeGaT Center for Human Genetics Tuebingen
Classification: Uncertain significance. Last evaluated: 2025-05-01. Review status: criteria provided, single submitter. Criteria: CeGaT Center For Human Genetics Tuebingen Variant Classification Criteria Version 2. Collection method: clinical testing. Allele origin: germline. Affected: yes. Observed: 6 variant alleles.
Comment: MID1: PM2, BP5

Literature cited by the submitters: PubMed 34958143 (cited by Myriad Genetics, Inc.).